The following is an entry in ClinVar:

NM_001172303.3(MASTL):c.582A>G (p.Thr194=)

Gene: MASTL (microtubule associated serine/threonine kinase like; plus strand). Cytogenetic location: 10p12.1.
Variant type: single nucleotide variant.
Coding change: c.582A>G on transcript NM_001172303.3 (MANE Select); coding-DNA position 582, A replaced by G.
Protein change: p.Thr194=; no amino-acid change (threonine 194 retained).
Molecular consequence: synonymous variant. On other transcripts: non-coding transcript variant (1).
Genome position (GRCh38, 1-based): chr10:27,165,092, A>G. VCF-style: chr10-27165092-A-G. GRCh37 (hg19) VCF-style: chr10-27454021-A-G.
Other names: c.582A>G, p.Thr194= (NM_001172304.3, NM_001320756.2, NM_001320757.2 and 1 more transcripts); c.99A>G, p.Thr33= (NM_001372029.1, NM_001372030.1).
Identifiers: ClinVar variation 4977773 (VCV004977773.1).
Genomic context (GRCh38, chr10:27,165,092, plus strand): 5'-ATACATTTATATACTTTTCTTTGCATACATAGATATTAATATGATGGATATCCTTACAAC[A>G]CCATCAATGGCAAAACCTAGACAAGATTATTCAAGAACCCCAGGACAAGTGTTATCGCTT-3'
Protein context (NP_001165774.1, residues 184-204): RDINMMDILT[Thr194=]PSMAKPRQDY

ClinVar aggregate classification (germline): Likely benign (1 of 4 stars; one submission).

Conditions:
MASTL-related disorder. Also called: MASTL-related condition.

gnomAD v4.1: 1 of 1,609,140 alleles (0.000062%); highest among the groups gnomAD compares: South Asian, 0.0011%; no homozygotes.

Submission:

PreventionGenetics, part of Exact Sciences
Classification: Likely benign for MASTL-related condition. Last evaluated: 2025-07-03. Review status: criteria provided, single submitter. Criteria: ACMG Guidelines, 2015. Collection method: clinical testing. Allele origin: germline.
Comment: This variant is classified as likely benign based on ACMG/AMP sequence variant interpretation guidelines (Richards et al. 2015 PMID: 25741868, with internal and published modifications).